The following is an entry in ClinVar:

NM_001318895.3(FHL2):c.322A>C (p.Ile108Leu)

Genes: C2orf49 (chromosome 2 open reading frame 49; plus strand), FHL2 (four and a half LIM domains 2; minus strand). Cytogenetic location: 2q12.2.
Variant type: single nucleotide variant.
Coding change: c.322A>C on transcript NM_001318895.3 (MANE Select); coding-DNA position 322, A replaced by C.
Protein change: p.Ile108Leu; replaces isoleucine 108 with leucine.
Molecular consequence: missense variant. On other transcripts: 5 prime UTR variant (1), intron variant (2).
Genome position (GRCh38, 1-based): chr2:105,373,568, T>G on the plus strand (A>C on the coding strand, the complement: FHL2 is on the minus strand). VCF-style: chr2-105373568-T-G. GRCh37 (hg19) VCF-style: chr2-105990025-T-G.
Other names: c.322A>C, p.Ile108Leu (NM_001039492.3, NM_001318894.1, NM_001318896.2 and 4 more transcripts); c.-3A>C (NM_001318899.2); c.-11-5829A>C (NM_001318897.2, NM_001318898.2); short protein forms I108L.
Identifiers: ClinVar variation 3622368 (VCV003622368.2).

ClinVar aggregate classification (germline): Uncertain significance (1 of 4 stars; one submission).

Conditions:
Primary dilated cardiomyopathy (DCM). Also called: Dilated Cardiomyopathy. Identifiers: Orphanet 217604, MedGen C0007193, MeSH D002311, MONDO:0005021, HP:0001644. Inheritance: Various modes of inheritance.

gnomAD v4.1: 1 of 1,614,098 alleles (0.000062%); highest among the groups gnomAD compares: Admixed American, 0.0017%; no homozygotes.

Submission:

Labcorp Genetics (formerly Invitae), Labcorp
Classification: Uncertain significance for Primary dilated cardiomyopathy. Last evaluated: 2025-02-11. Review status: criteria provided, single submitter. Criteria: Invitae Variant Classification Sherloc (09022015). Collection method: clinical testing. Allele origin: germline.
Comment: This sequence change replaces isoleucine, which is neutral and non-polar, with leucine, which is neutral and non-polar, at codon 108 of the FHL2 protein (p.Ile108Leu). This variant is present in population databases (no rsID available, gnomAD 0.1%). This variant has not been reported in the literature in individuals affected with FHL2-related conditions. Invitae Evidence Modeling of protein sequence and biophysical properties (such as structural, functional, and spatial information, amino acid conservation, physicochemical variation, residue mobility, and thermodynamic stability) indicates that this missense variant is not expected to disrupt FHL2 protein function with a negative predictive value of 80%. In summary, the available evidence is currently insufficient to determine the role of this variant in disease. Therefore, it has been classified as a Variant of Uncertain Significance.